The following is an entry in ClinVar:

ClinVar aggregate classification (germline): Likely benign (0 of 4 stars; one submission).

Conditions:
SCLT1-related disorder. Also called: SCLT1-related condition.

Submission:

PreventionGenetics, part of Exact Sciences
Classification: Likely benign for SCLT1-related condition. Last evaluated: 2019-10-31. Review status: no assertion criteria provided. Collection method: clinical testing. Allele origin: germline.
Comment: This variant is classified as likely benign based on ACMG/AMP sequence variant interpretation guidelines (Richards et al. 2015 PMID: 25741868, with internal and published modifications).

NM_144643.4(SCLT1):c.290+907del

Gene: SCLT1 (sodium channel and clathrin linker 1; minus strand). Cytogenetic location: 4q28.2.
Variant type: Deletion.
Coding change: c.290+907del on transcript NM_144643.4 (MANE Select); 907 bases into the intron after coding-DNA position 290, one base deleted (T; older notation c.290+907delT).
Molecular consequence: intron variant.
Genome position (GRCh38, 1-based): chr4:129,038,134, A deleted on the plus strand (T on the coding strand, the reverse complement: SCLT1 is on the minus strand); the first of 10 consecutive A bases (chr4:129,038,134-129,038,143); deleting any one gives the same sequence. VCF-style (leftmost placement, unchanged base first): chr4-129038133-CA-C. GRCh37 (hg19) VCF-style: chr4-129959288-CA-C.
Other names: c.290+907del (NM_001410807.1); c.291-8del (NM_001300898.2).
Identifiers: ClinVar variation 3056575 (VCV003056575.2), dbSNP rs768580915, ClinGen allele CA3080003.